The following is an entry in ClinVar:

ClinVar aggregate classification (germline): Conflicting classifications of pathogenicity. Review status: criteria provided, conflicting classifications (1 of 4 stars). 2 submissions from 2 submitters: Likely pathogenic (1); Uncertain significance (1). Last evaluated 2025-12-16.

Conditions:
Progressive spondyloepimetaphyseal dysplasia-short stature-short fourth metatarsals-intellectual disability syndrome. Also called: SPONDYLOEPIMETAPHYSEAL DYSPLASIA, PROGRESSIVE, WITH SHORT STATURE, FACIAL DYSMORPHISM, SHORT FOURTH METATARSALS, AND MENTAL RETARDATION, WITH OR WITHOUT CRANIOSYNOSTOSIS; Spondyloepimetaphyseal dysplasia, Faden-Alkuraya type. Identifiers: Orphanet 457395, MedGen C5568882, MONDO:0014748, OMIM 616723.

Submissions (2):

3billion
Classification: Likely pathogenic for Progressive spondyloepimetaphyseal dysplasia-short stature-short fourth metatarsals-intellectual disability syndrome. Last evaluated: 2025-12-16. Review status: criteria provided, single submitter. Criteria: ACMG Guidelines, 2015. Collection method: clinical testing. Allele origin: germline. Affected: yes.
Comment: The variant is not observed in the gnomAD v4.1.0 dataset. Predicted Consequence/Location: Canonical splice site: predicted to alter splicing and result in a loss or disruption of normal protein function. Multiple pathogenic loss-of-function variants are reported downstream of the variant. In silico tools predict the variant to alter splicing and produce an abnormal transcript [SpliceAI: 0.89 (spliceogenicity >=0.2, non-spliceogenicity <0.1)]. The variant has been reported as of uncertain significance (ClinVar ID: VCV004278198). Therefore, this variant is classified as Likely pathogenic according to the recommendation of ACMG/AMP guideline.

Genomic Medicine Center of Excellence, King Faisal Specialist Hospital and Research Centre
Classification: Uncertain significance for Progressive spondyloepimetaphyseal dysplasia-short stature-short fourth metatarsals-intellectual disability syndrome. Last evaluated: 2025-09-10. Review status: criteria provided, single submitter. Criteria: ACMG Guidelines, 2015. Collection method: clinical testing. Allele origin: germline.

NM_133368.3(RSPRY1):c.901+3_901+15del

Gene: RSPRY1 (ring finger and SPRY domain containing 1; plus strand). Cytogenetic location: 16q13.
Variant type: Deletion.
Coding change: c.901+3_901+15del on transcript NM_133368.3 (MANE Select); bases 3 to 15 of the intron after coding-DNA position 901, 13 bases deleted (AAGTGGGAGTTGT).
Molecular consequence: splice donor variant.
Genome position (GRCh38, 1-based): chr16:57,217,038-57,217,050, AAGTGGGAGTTGT deleted; deleting any 13 consecutive bases within chr16:57,217,035-57,217,050 gives the same sequence; the c. name uses the placement nearest the transcript's 3' end. VCF-style (leftmost placement, unchanged base first): chr16-57217034-CTGTAAGTGGGAGT-C. GRCh37 (hg19) VCF-style: chr16-57250946-CTGTAAGTGGGAGT-C.
Other names: c.901+3_901+15del (NM_001305163.2, NM_001305164.2).
Identifiers: ClinVar variation 4278198 (VCV004278198.2).